The following is an entry in ClinVar:

ClinVar aggregate classification (germline): Uncertain significance (1 of 4 stars; one submission).

Conditions:
Sulfite oxidase deficiency due to molybdenum cofactor deficiency type C. Also called: Molybdenum cofactor deficiency, complementation group C; Molybdenum cofactor deficiency C. Identifiers: Orphanet 308400, Orphanet 833, MedGen C1854990, MONDO:0014212, OMIM 615501.

Submission:

Labcorp Genetics (formerly Invitae), Labcorp
Classification: Uncertain significance for Sulfite oxidase deficiency due to molybdenum cofactor deficiency type C. Last evaluated: 2024-07-18. Review status: criteria provided, single submitter. Criteria: Invitae Variant Classification Sherloc (09022015). Collection method: clinical testing. Allele origin: germline.
Comment: This sequence change replaces alanine, which is neutral and non-polar, with serine, which is neutral and polar, at codon 238 of the GPHN protein (p.Ala238Ser). This variant is not present in population databases (gnomAD no frequency). This variant has not been reported in the literature in individuals affected with GPHN-related conditions. Advanced modeling of protein sequence and biophysical properties (such as structural, functional, and spatial information, amino acid conservation, physicochemical variation, residue mobility, and thermodynamic stability) performed at Invitae indicates that this missense variant is not expected to disrupt GPHN protein function with a negative predictive value of 80%. In summary, the available evidence is currently insufficient to determine the role of this variant in disease. Therefore, it has been classified as a Variant of Uncertain Significance.

NM_020806.5(GPHN):c.712G>T (p.Ala238Ser)

Gene: GPHN (gephyrin; plus strand). Cytogenetic location: 14q23.3.
Variant type: single nucleotide variant.
Coding change: c.712G>T on transcript NM_020806.5 (MANE Select); coding-DNA position 712, G replaced by T.
Protein change: p.Ala238Ser; replaces alanine 238 with serine.
Molecular consequence: missense variant.
Genome position (GRCh38, 1-based): chr14:66,922,921, G>T. VCF-style: chr14-66922921-G-T. GRCh37 (hg19) VCF-style: chr14-67389638-G-T.
Other names: c.712G>T, p.Ala238Ser (NM_001024218.2, NM_001377515.1, NM_001377516.1 and 2 more transcripts); c.751G>T, p.Ala251Ser (NM_001377514.1, NM_001377519.1); short protein forms A238S, A251S.
Identifiers: ClinVar variation 3659825 (VCV003659825.2).
Genomic context (GRCh38, chr14:66,922,921, plus strand): 5'-GAGAAGAAAGACAGTGGTGTTGCTTCAACAGAAGATAGTTCCTCATCACATATAACTGCA[G>T]CAGCCATTGCTGCCAAGGTAAGCCTGATGAGAGTTACTCAGAGGCCTAAAGGACCCACAG-3'
Protein context (NP_065857.1, residues 228-248): EDSSSSHITA[Ala238Ser]AIAAKKHPFY